The following is an entry in ClinVar:

ClinVar aggregate classification (germline): Uncertain significance (1 of 4 stars; one submission).

Conditions:
Hereditary cancer-predisposing syndrome. Also called: Neoplastic Syndromes, Hereditary; Tumor predisposition; Hereditary Cancer Syndrome; Hereditary neoplastic syndrome. Identifiers: Orphanet 140162, MedGen C0027672, MeSH D009386, MONDO:0015356.

Submission:

Ambry Genetics
Classification: Uncertain significance for Hereditary cancer-predisposing syndrome. Last evaluated: 2020-11-17. Review status: criteria provided, single submitter. Criteria: Ambry Variant Classification Scheme 2023. Collection method: clinical testing. Allele origin: germline.
Comment: The p.A1369S variant (also known as c.4105G>T), located in coding exon 10 of the BRCA1 gene, results from a G to T substitution at nucleotide position 4105. The alanine at codon 1369 is replaced by serine, an amino acid with similar properties. This amino acid position is well conserved in available vertebrate species. In addition, the in silico prediction for this alteration is inconclusive. Since supporting evidence is limited at this time, the clinical significance of this alteration remains unclear.

NM_007294.4(BRCA1):c.4105G>T (p.Ala1369Ser)

Gene: BRCA1 (BRCA1 DNA repair associated; minus strand). Cytogenetic location: 17q21.31.
Variant type: single nucleotide variant.
Coding change: c.4105G>T on transcript NM_007294.4 (MANE Select); coding-DNA position 4105, G replaced by T.
Protein change: p.Ala1369Ser; replaces alanine 1369 with serine.
Molecular consequence: missense variant. On other transcripts: non-coding transcript variant (1).
Genome position (GRCh38, 1-based): chr17:43,091,024, C>A on the plus strand (G>T on the coding strand, the complement: BRCA1 is on the minus strand). VCF-style: chr17-43091024-C-A. GRCh37 (hg19) VCF-style: chr17-41243041-C-A.
Other names: c.3772G>T, p.Ala1258Ser (NM_001407946.1, NM_001407947.1, NM_001407950.1 and 6 more transcripts); c.3892G>T, p.Ala1298Ser (NM_001407571.1, NM_001407915.1, NM_001407897.1 and 9 more transcripts); c.4105G>T, p.Ala1369Ser (NM_001407581.1, NM_001407582.1, NM_001407583.1 and 30 more transcripts); c.4102G>T, p.Ala1368Ser (NM_001407587.1, NM_001407610.1, NM_001407611.1 and 22 more transcripts); c.3979G>T, p.Ala1327Ser (NM_001407649.1, NM_001407670.1, NM_001407671.1 and 11 more transcripts); c.4027G>T, p.Ala1343Ser (NM_001407653.1, NM_001407654.1, NM_001407655.1 and 4 more transcripts); c.4024G>T, p.Ala1342Ser (NM_001407659.1, NM_001407660.1, NM_001407661.1 and 1 more transcripts); c.3982G>T, p.Ala1328Ser (NM_001407674.1, NM_001407675.1, NM_001407676.1 and 19 more transcripts); and 40 more; short protein forms A1241S, A1242S, A1281S, A1369S, A138S, A154S, A155S, A225S.
Identifiers: ClinVar variation 1737880 (VCV001737880.2), dbSNP rs1597858676, ClinGen allele CA10593513.
Genomic context (GRCh38, chr17:43,091,024, plus strand): 5'-TCTGAGAGGATAGCCCTGAGCAGTCTTCAGAGACGCTTGTTTCACTCTCACACCCAGATG[C>A]TGCTTCACCTTAAATAACAAAAACAGAGGTTCAGATGTAAAAGCAGACTATAAACGCTGC-3'
Protein context (NP_009225.1, residues 1359-1379): QSMDSNLGEA[Ala1369Ser]SGCESETSVS